The following is an entry in ClinVar:

NM_001329943.3(KIAA0586):c.1903A>G (p.Thr635Ala)

Gene: KIAA0586 (KIAA0586; plus strand). Cytogenetic location: 14q23.1.
Variant type: single nucleotide variant.
Coding change: c.1903A>G on transcript NM_001329943.3 (MANE Select); coding-DNA position 1903, A replaced by G.
Protein change: p.Thr635Ala; replaces threonine 635 with alanine.
Molecular consequence: missense variant.
Genome position (GRCh38, 1-based): chr14:58,461,004, A>G. VCF-style: chr14-58461004-A-G. GRCh37 (hg19) VCF-style: chr14-58927722-A-G.
Other names: c.2062A>G, p.Thr688Ala (NM_001244189.2); c.1858A>G, p.Thr620Ala (NM_001244190.2); c.1648A>G, p.Thr550Ala (NM_001244191.2, NM_001329945.2, NM_001364700.1 and 1 more transcripts); c.1771A>G, p.Thr591Ala (NM_001244192.2); c.1483A>G, p.Thr495Ala (NM_001244193.2); c.1903A>G, p.Thr635Ala (NM_001329944.2, NM_001329946.2, NM_001329947.2); c.1675A>G, p.Thr559Ala (NM_014749.5); short protein forms T495A, T550A, T559A, T591A, T620A, T635A, T688A.
Identifiers: ClinVar variation 1722949 (VCV001722949.7), dbSNP rs375173927, ClinGen allele CA7205733.
Genomic context (GRCh38, chr14:58,461,004, plus strand): 5'-ATGACTGTTTTCATGGTGAGTTGAATAACTTTGTACACACAGGGGCTTTTGAAAGCAACC[A>G]CAGTAATACAAGATGAAGATTATATGTTACAAGTCTATGGAAAGCCAGTTTATCAGGGCC-3'
Protein context (NP_001316872.1, residues 625-645): ERKEGLLKAT[Thr635Ala]VIQDEDYMLQ

ClinVar aggregate classification (germline): Uncertain significance. Review status: criteria provided, multiple submitters, no conflicts (2 of 4 stars). 3 submissions from 3 submitters: Uncertain significance (3). Last evaluated 2025-09-15.

Conditions:
KIAA0586-related disorder. Also called: KIAA0586-related condition; KIAA0586- Related disorders.
Joubert syndrome 23 (JBTS23). Identifiers: Orphanet 475, MedGen C4084822, MONDO:0014664, OMIM 616490.
Short-rib thoracic dysplasia 14 with polydactyly (SRTD14). Identifiers: Orphanet 397715, MedGen C4225286, MONDO:0014688, OMIM 616546.

Allele frequency attached by ClinVar (database versions not stated): ExAC 0.00003; gnomAD 0.00003; gnomAD exomes 0.00003; TOPMed 0.00004; ESP Exome Variant Server 0.00008.
gnomAD v4.1: 55 of 1,600,826 alleles (0.0034%); highest among the groups gnomAD compares: Middle Eastern, 0.017%; no homozygotes.

Submissions (3):

PreventionGenetics, part of Exact Sciences
Classification: Uncertain significance for KIAA0586-related condition. Last evaluated: 2025-09-15. Review status: criteria provided, single submitter. Criteria: ACMG Guidelines, 2015. Collection method: clinical testing. Allele origin: germline.
Comment: The KIAA0586 c.2062A>G variant is predicted to result in the amino acid substitution p.Thr688Ala. To our knowledge, this variant has not been reported in the literature. This variant is reported in 0.0048% of alleles in individuals of European (Non-Finnish) descent in gnomAD. At this time, the clinical significance of this variant is uncertain due to the absence of conclusive functional and genetic evidence.

Labcorp Genetics (formerly Invitae), Labcorp
Classification: Uncertain significance for Joubert syndrome 23; Short-rib thoracic dysplasia 14 with polydactyly. Last evaluated: 2025-05-05. Review status: criteria provided, single submitter. Criteria: Invitae Variant Classification Sherloc (09022015). Collection method: clinical testing. Allele origin: germline.
Comment: This sequence change replaces threonine, which is neutral and polar, with alanine, which is neutral and non-polar, at codon 688 of the KIAA0586 protein (p.Thr688Ala). This variant is present in population databases (rs375173927, gnomAD 0.005%). This variant has not been reported in the literature in individuals affected with KIAA0586-related conditions. ClinVar contains an entry for this variant (Variation ID: 1722949). Invitae Evidence Modeling of protein sequence and biophysical properties (such as structural, functional, and spatial information, amino acid conservation, physicochemical variation, residue mobility, and thermodynamic stability) indicates that this missense variant is not expected to disrupt KIAA0586 protein function with a negative predictive value of 80%. In summary, the available evidence is currently insufficient to determine the role of this variant in disease. Therefore, it has been classified as a Variant of Uncertain Significance.

GeneDx
Classification: Uncertain significance. Last evaluated: 2022-11-03. Review status: criteria provided, single submitter. Criteria: GeneDx Variant Classification Process June 2021. Collection method: clinical testing. Allele origin: germline. Affected: yes.
Comment: In silico analysis supports that this missense variant does not alter protein structure/function; Has not been previously published as pathogenic or benign to our knowledge